The following is an entry in ClinVar:

ClinVar aggregate classification (germline): Uncertain significance (1 of 4 stars; one submission).

Conditions:
Familial cold autoinflammatory syndrome 3 (FCAS3). Also called: ANTIBODY DEFICIENCY AND IMMUNE DYSREGULATION, PLCG2-ASSOCIATED; FAMILIAL ATYPICAL COLD URTICARIA. Identifiers: Orphanet 300359, MedGen C3280914, MONDO:0013766, OMIM 614468.

Allele frequency attached by ClinVar (database versions not stated): gnomAD exomes below 0.00001; ExAC 0.00001.
gnomAD v4.1: 8 of 1,555,472 alleles (0.00051%); highest among the groups gnomAD compares: Middle Eastern, 0.017%; no homozygotes.

Submission:

Labcorp Genetics (formerly Invitae), Labcorp
Classification: Uncertain significance for Familial cold autoinflammatory syndrome 3. Last evaluated: 2024-10-21. Review status: criteria provided, single submitter. Criteria: Invitae Variant Classification Sherloc (09022015). Collection method: clinical testing. Allele origin: germline.
Comment: This sequence change falls in intron 26 of the PLCG2 gene. It does not directly change the encoded amino acid sequence of the PLCG2 protein. It affects a nucleotide within the consensus splice site. This variant is present in population databases (rs765477213, gnomAD 0.003%). This variant has not been reported in the literature in individuals affected with PLCG2-related conditions. ClinVar contains an entry for this variant (Variation ID: 1381151). Variants that disrupt the consensus splice site are a relatively common cause of aberrant splicing (PMID: 17576681, 9536098). Algorithms developed to predict the effect of sequence changes on RNA splicing suggest that this variant is not likely to affect RNA splicing. In summary, the available evidence is currently insufficient to determine the role of this variant in disease. Therefore, it has been classified as a Variant of Uncertain Significance.

Literature cited by the submitters: PubMed 17576681; PubMed 9536098.

NM_002661.5(PLCG2):c.2842+6A>G

Gene: PLCG2 (phospholipase C gamma 2; plus strand). Cytogenetic location: 16q23.3.
Variant type: single nucleotide variant.
Coding change: c.2842+6A>G on transcript NM_002661.5 (MANE Select); 6 bases into the intron after coding-DNA position 2842, A replaced by G.
Molecular consequence: intron variant.
Genome position (GRCh38, 1-based): chr16:81,934,537, A>G. VCF-style: chr16-81934537-A-G. GRCh37 (hg19) VCF-style: chr16-81968142-A-G.
Identifiers: ClinVar variation 1381151 (VCV001381151.6), dbSNP rs765477213, ClinGen allele CA8194441.